The following is an entry in ClinVar:

ClinVar aggregate classification (germline): Conflicting classifications of pathogenicity. Review status: criteria provided, conflicting classifications (1 of 4 stars). 2 submissions from 2 submitters: Uncertain significance (1); Likely benign (1). Last evaluated 2024-02-27.

Allele frequency attached by ClinVar (database versions not stated): gnomAD 0.00002 and 0.00003; gnomAD exomes 0.00003; ExAC 0.00006; TOPMed 0.00006; ESP Exome Variant Server 0.00008.
gnomAD v4.1: 24 of 1,614,020 alleles (0.0015%); highest among the groups gnomAD compares: South Asian, 0.0033%; no homozygotes.

Submissions (2):

Blueprint Genetics
Classification: Likely benign. Last evaluated: 2024-02-27. Review status: criteria provided, single submitter. Criteria: ACMG Guidelines, 2015. Collection method: clinical testing. Allele origin: germline.

Labcorp Genetics (formerly Invitae), Labcorp
Classification: Uncertain significance. Last evaluated: 2023-11-25. Review status: criteria provided, single submitter. Criteria: Invitae Variant Classification Sherloc (09022015). Collection method: clinical testing. Allele origin: germline.
Comment: This sequence change replaces valine, which is neutral and non-polar, with methionine, which is neutral and non-polar, at codon 305 of the SLC7A14 protein (p.Val305Met). This variant is present in population databases (rs372221406, gnomAD 0.01%). This variant has not been reported in the literature in individuals affected with SLC7A14-related conditions. ClinVar contains an entry for this variant (Variation ID: 1425579). Algorithms developed to predict the effect of missense changes on protein structure and function output the following: SIFT: "Not Available"; PolyPhen-2: "Benign"; Align-GVGD: "Not Available". The methionine amino acid residue is found in multiple mammalian species, which suggests that this missense change does not adversely affect protein function. In summary, the available evidence is currently insufficient to determine the role of this variant in disease. Therefore, it has been classified as a Variant of Uncertain Significance.

NM_020949.3(SLC7A14):c.913G>A (p.Val305Met)

Genes: SLC7A14-AS1 (SLC7A14 antisense RNA 1; plus strand), SLC7A14 (solute carrier family 7 member 14; minus strand). Cytogenetic location: 3q26.2.
Variant type: single nucleotide variant.
Coding change: c.913G>A on transcript NM_020949.3 (MANE Select); coding-DNA position 913, G replaced by A.
Protein change: p.Val305Met; replaces valine 305 with methionine.
Molecular consequence: missense variant.
Genome position (GRCh38, 1-based): chr3:170,483,516, C>T on the plus strand (G>A on the coding strand, the complement: SLC7A14 is on the minus strand). VCF-style: chr3-170483516-C-T. GRCh37 (hg19) VCF-style: chr3-170201305-C-T.
Other names: short protein forms V305M.
Identifiers: ClinVar variation 1425579 (VCV001425579.9), dbSNP rs372221406, ClinGen allele CA2701760.
Genomic context (GRCh38, chr3:170,483,516, plus strand): 5'-TCTCCATGAGTGGGGATTCCGTGTCAATGGTATAATATGGCACCATCAGAGTTAAGATCA[C>T]GCTCACCTGTTAAAACAAGAGAAGACAGGGCTGGAGGTACAGGGGAAGAACAGCATGGAT-3'
Protein context (NP_066000.2, residues 295-315): ICLTAYVSVS[Val305Met]ILTLMVPYYT